The following is an entry in ClinVar:

ClinVar aggregate classification (germline): Conflicting classifications of pathogenicity. Review status: criteria provided, conflicting classifications (1 of 4 stars). 2 submissions from 2 submitters: Likely pathogenic (1); Uncertain significance (1). Last evaluated 2025-06-27.

Conditions:
Charcot-Marie-Tooth disease, axonal, autosomal recessive, type 2a2b;. Also called: Charcot-Marie-Tooth disease, axonal, autosomal recessive, type 2A2B; Charcot-Marie-Tooth disease, axonal, type 2A2B. Identifiers: MedGen C4310725, MONDO:0014906, OMIM 617087.

gnomAD v4.1: 1 of 1,614,220 alleles (0.000062%); highest among the groups gnomAD compares: African/African-American, 0.0013%; no homozygotes.

Submissions (2):

GeneDx
Classification: Uncertain significance. Last evaluated: 2025-06-27. Review status: criteria provided, single submitter. Criteria: GeneDx Variant Classification Process June 2021. Collection method: clinical testing. Allele origin: germline. Affected: yes.
Comment: Not observed at significant frequency in large population cohorts (gnomAD); In silico analysis supports that this missense variant has a deleterious effect on protein structure/function; Has not been previously published as pathogenic or benign to our knowledge; This variant is associated with the following publications: (PMID: 24863639)

Kariminejad - Najmabadi Pathology & Genetics Center
Classification: Likely pathogenic for Charcot-Marie-Tooth disease, axonal, autosomal recessive, type 2a2b;. Last evaluated: 2024-07-17. Review status: criteria provided, single submitter. Criteria: ACMG Guidelines, 2015. Collection method: clinical testing. Allele origin: germline. Inheritance: Autosomal recessive inheritance. Affected: yes.
Comment: PM2_Moderate,PM1_Moderate,PP2_Supporting,PP3_Moderate

NM_014874.4(MFN2):c.785C>T (p.Ala262Val)

Gene: MFN2 (mitofusin 2; plus strand). Cytogenetic location: 1p36.22.
Variant type: single nucleotide variant.
Coding change: c.785C>T on transcript NM_014874.4 (MANE Select); coding-DNA position 785, C replaced by T.
Protein change: p.Ala262Val; replaces alanine 262 with valine.
Molecular consequence: missense variant.
Genome position (GRCh38, 1-based): chr1:11,999,064, C>T. VCF-style: chr1-11999064-C-T. GRCh37 (hg19) VCF-style: chr1-12059121-C-T.
Other names: c.785C>T, p.Ala262Val (NM_001127660.2); short protein forms A262V.
Identifiers: ClinVar variation 3896911 (VCV003896911.2).